The following is an entry in ClinVar:

NM_005228.5(EGFR):c.1724G>A (p.Gly575Glu)

Gene: EGFR (epidermal growth factor receptor; plus strand). Cytogenetic location: 7p11.2.
Variant type: single nucleotide variant.
Coding change: c.1724G>A on transcript NM_005228.5 (MANE Select); coding-DNA position 1724, G replaced by A.
Protein change: p.Gly575Glu; replaces glycine 575 with glutamic acid.
Molecular consequence: missense variant.
Genome position (GRCh38, 1-based): chr7:55,165,281, G>A. VCF-style: chr7-55165281-G-A. GRCh37 (hg19) VCF-style: chr7-55232974-G-A.
Other names: c.1589G>A, p.Gly530Glu (NM_001346897.2, NM_001346899.2); c.1724G>A, p.Gly575Glu (NM_001346898.2, NM_201282.2, NM_201284.2); c.1565G>A, p.Gly522Glu (NM_001346900.2); c.923G>A, p.Gly308Glu (NM_001346941.2); short protein forms G522E, G530E, G308E, G575E.
Identifiers: ClinVar variation 954189 (VCV000954189.10), dbSNP rs1249099747, ClinGen allele CA367580613.

ClinVar aggregate classification (germline): Uncertain significance. Review status: criteria provided, multiple submitters, no conflicts (2 of 4 stars). 2 submissions from 2 submitters: Uncertain significance (2). Last evaluated 2025-02-26.

Conditions:
EGFR-related lung cancer (EGFR). Identifiers: MedGen CN130014.
Hereditary cancer-predisposing syndrome. Also called: Hereditary neoplastic syndrome; Tumor predisposition; Neoplastic Syndromes, Hereditary; Hereditary Cancer Syndrome. Identifiers: Orphanet 140162, MedGen C0027672, MeSH D009386, MONDO:0015356.

Allele frequency attached by ClinVar (database versions not stated): gnomAD exomes below 0.00001 and 0.00001; TOPMed below 0.00001.
gnomAD v4.1: 1 of 1,614,102 alleles (0.000062%); highest among the groups gnomAD compares: Non-Finnish European, 0.000085%; no homozygotes.

Submissions (2):

Ambry Genetics
Classification: Uncertain significance for Hereditary cancer-predisposing syndrome. Last evaluated: 2025-02-26. Review status: criteria provided, single submitter. Criteria: Ambry Variant Classification Scheme 2023. Collection method: clinical testing. Allele origin: germline.
Comment: The p.G575E variant (also known as c.1724G>A), located in coding exon 15 of the EGFR gene, results from a G to A substitution at nucleotide position 1724. The glycine at codon 575 is replaced by glutamic acid, an amino acid with similar properties. This amino acid position is conserved. In addition, this alteration is predicted to be deleterious by in silico analysis. Based on the available evidence, the clinical significance of this variant remains unclear.

Labcorp Genetics (formerly Invitae), Labcorp
Classification: Uncertain significance for EGFR-related lung cancer. Last evaluated: 2024-12-07. Review status: criteria provided, single submitter. Criteria: Invitae Variant Classification Sherloc (09022015). Collection method: clinical testing. Allele origin: germline.
Comment: This sequence change replaces glycine, which is neutral and non-polar, with glutamic acid, which is acidic and polar, at codon 575 of the EGFR protein (p.Gly575Glu). This variant is present in population databases (no rsID available, gnomAD 0.003%). This variant has not been reported in the literature in individuals affected with EGFR-related conditions. ClinVar contains an entry for this variant (Variation ID: 954189). An algorithm developed to predict the effect of missense changes on protein structure and function (PolyPhen-2) suggests that this variant is likely to be disruptive. In summary, the available evidence is currently insufficient to determine the role of this variant in disease. Therefore, it has been classified as a Variant of Uncertain Significance.